The following is an entry in ClinVar:

ClinVar aggregate classification (germline): Uncertain significance (1 of 4 stars; one submission).

Conditions:
Familial cold autoinflammatory syndrome 3 (FCAS3). Also called: ANTIBODY DEFICIENCY AND IMMUNE DYSREGULATION, PLCG2-ASSOCIATED; FAMILIAL ATYPICAL COLD URTICARIA. Identifiers: Orphanet 300359, MedGen C3280914, MONDO:0013766, OMIM 614468.

Submission:

Labcorp Genetics (formerly Invitae), Labcorp
Classification: Uncertain significance for Familial cold autoinflammatory syndrome 3. Last evaluated: 2021-05-31. Review status: criteria provided, single submitter. Criteria: Invitae Variant Classification Sherloc (09022015). Collection method: clinical testing. Allele origin: germline.
Comment: In summary, the available evidence is currently insufficient to determine the role of this variant in disease. Therefore, it has been classified as a Variant of Uncertain Significance. This variant has not been reported in the literature in individuals with PLCG2-related conditions. This variant is a gross deletion of the genomic region encompassing exon(s) 20-33 of the PLCG2 gene. The 5' boundary is likely confined to intron 19. The 3' end of this event is unknown as it extends through the termination codon beyond the assayed region for this gene and may encompass additional genes. While this deletion is not anticipated to lead to nonsense mediated decay, it is expected to alter mRNA translation or result in a truncated protein product.

NC_000016.9:g.(?_81953069)_(81991603_?)del

Gene: PLCG2 (phospholipase C gamma 2; plus strand). Cytogenetic location: 16q23.3.
Variant type: Deletion.
Identifiers: ClinVar variation 1511942 (VCV001511942.6).